The following is an entry in ClinVar:

ClinVar aggregate classification (germline): Conflicting classifications of pathogenicity. Review status: criteria provided, conflicting classifications (1 of 4 stars). 7 submissions from 7 submitters: Uncertain significance (3); Benign (1); Likely benign (2). 1 of the submissions does not count toward it. Last evaluated 2026-04-01.

Conditions:
3 beta-Hydroxysteroid dehydrogenase deficiency. Also called: 3b-hydroxysteroid dehydrogenase deficiency; Congenital adrenal hyperplasia due to 3-beta-hydroxysteroid dehydrogenase deficiency; 3-BETA-HSD DEFICIENCY; ADRENAL HYPERPLASIA II; ADRENAL HYPERPLASIA, CONGENITAL, DUE TO 3-BETA-HYDROXYSTEROID DEHYDROGENASE 2 DEFICIENCY. Identifiers: Orphanet 90791, MedGen C0342471, MeSH C538236, MONDO:0008727, OMIM 201810. Disease mechanism: loss of function.
HSD3B2-related disorder. Also called: HSD3B2-related condition.

Allele frequency attached by ClinVar (database versions not stated): 1000 Genomes Project 0.00060; 1000 Genomes Project 30x 0.00062; gnomAD 0.00087 and 0.00095; TOPMed 0.00087; ESP Exome Variant Server 0.00115; ExAC 0.00164.
gnomAD v4.1: 1,968 of 1,614,062 alleles (0.12%); highest among the groups gnomAD compares: South Asian, 0.4%; 6 homozygotes.

Submissions (7):

CeGaT Center for Human Genetics Tuebingen
Classification: Likely benign. Last evaluated: 2026-04-01. Review status: criteria provided, single submitter. Criteria: CeGaT Center For Human Genetics Tuebingen Variant Classification Criteria Version 2. Collection method: clinical testing. Allele origin: germline. Affected: yes. Observed: 1 variant allele.
Comment: HSD3B2: BP4, BS2

Labcorp Genetics (formerly Invitae), Labcorp
Classification: Benign. Last evaluated: 2026-02-02. Review status: criteria provided, single submitter. Criteria: Invitae Variant Classification Sherloc (09022015). Collection method: clinical testing. Allele origin: germline.

PreventionGenetics, part of Exact Sciences
Classification: Likely benign for HSD3B2-related condition. Last evaluated: 2025-05-27. Review status: criteria provided, single submitter. Criteria: ACMG Guidelines, 2015. Collection method: clinical testing. Allele origin: germline.
Comment: This variant is classified as likely benign based on ACMG/AMP sequence variant interpretation guidelines (Richards et al. 2015 PMID: 25741868, with internal and published modifications).

Institute for Clinical Genetics, University Hospital TU Dresden, University Hospital TU Dresden
Classification: Uncertain significance. Last evaluated: 2021-11-03. Review status: criteria provided, single submitter. Criteria: ACMG Guidelines, 2015. Collection method: clinical testing. Allele origin: germline.

Pars Genome Lab
Classification: Uncertain significance for 3 beta-Hydroxysteroid dehydrogenase deficiency. Last evaluated: 2021-05-18. Review status: criteria provided, single submitter. Criteria: ACMG Guidelines, 2015. Collection method: clinical testing. Allele origin: germline. Affected: no.

Illumina Laboratory Services, Illumina
Classification: Uncertain significance for 3 beta-Hydroxysteroid dehydrogenase deficiency. Last evaluated: 2017-04-27. Review status: criteria provided, single submitter. Criteria: ICSL Variant Classification Criteria 13 December 2019. Collection method: clinical testing. Allele origin: germline.
Comment: This variant was observed as part of a predisposition screen in an ostensibly healthy population. A literature search was performed for the gene, cDNA change, and amino acid change (where applicable). Publications were found based on this search. However, the evidence from the literature, in combination with allele frequency data from public databases where available, was not sufficient to rule this variant in or out of causing disease. Therefore, this variant is classified as a variant of unknown significance.

Natera, Inc.
Classification: Benign for 3 beta hydroxysteroid dehydrogenase deficiency. Last evaluated: 2019-12-09. Review status: no assertion criteria provided. Collection method: clinical testing. Allele origin: germline. Not counted in ClinVar's aggregate classification.

Literature cited by the submitters: PubMed 11287026 (cited by Illumina Laboratory Services, Illumina); PubMed 10599696 (cited by Illumina Laboratory Services, Illumina); PubMed 9719627 (cited by Illumina Laboratory Services, Illumina).

NM_000198.4(HSD3B2):c.500C>T (p.Ala167Val)

Gene: HSD3B2 (hydroxy-delta-5-steroid dehydrogenase, 3 beta- and steroid delta-isomerase 2; plus strand). Cytogenetic location: 1p12.
Variant type: single nucleotide variant.
Coding change: c.500C>T on transcript NM_000198.4 (MANE Select); coding-DNA position 500, C replaced by T.
Protein change: p.Ala167Val; replaces alanine 167 with valine.
Molecular consequence: missense variant.
Genome position (GRCh38, 1-based): chr1:119,422,001, C>T. VCF-style: chr1-119422001-C-T. GRCh37 (hg19) VCF-style: chr1-119964624-C-T.
Other names: c.500C>T (NM_001166120.1); c.500C>T, p.Ala167Val (NM_001166120.2); short protein forms A167V.
Identifiers: ClinVar variation 724290 (VCV000724290.24), dbSNP rs35486059, ClinGen allele CA1035985.